The following is an entry in ClinVar:

NM_002047.4(GARS1):c.1835C>T (p.Ala612Val)

Gene: GARS1 (glycyl-tRNA synthetase 1; plus strand). Cytogenetic location: 7p14.3.
Variant type: single nucleotide variant.
Coding change: c.1835C>T on transcript NM_002047.4 (MANE Select); coding-DNA position 1835, C replaced by T.
Protein change: p.Ala612Val; replaces alanine 612 with valine.
Molecular consequence: missense variant.
Genome position (GRCh38, 1-based): chr7:30,631,473, C>T. VCF-style: chr7-30631473-C-T. GRCh37 (hg19) VCF-style: chr7-30671089-C-T.
Other names: c.1673C>T, p.Ala558Val (NM_001316772.1); short protein forms A558V, A612V.
Identifiers: ClinVar variation 3703991 (VCV003703991.2).
Genomic context (GRCh38, chr7:30,631,473, plus strand): 5'-ACATATTTGGATTTTTTTCTTTTTAAATCATCCAGTTCTTCAGTTTCCCTGCTGTAGTTG[C>T]TCCATTCAAATGTTCCGTCCTCCCACTGAGCCAAAACCAGGAGTTCATGCCATTTGTCAA-3'
Protein context (NP_002038.2, residues 602-622): RTFFSFPAVV[Ala612Val]PFKCSVLPLS

ClinVar aggregate classification (germline): Uncertain significance (1 of 4 stars; one submission).

Conditions:
Charcot-Marie-Tooth disease type 2. Also called: Charcot-Marie-Tooth type 2. Identifiers: Orphanet 64746, MedGen C0270914, MONDO:0018993.

gnomAD v4.1: 2 of 1,613,386 alleles (0.00012%); highest among the groups gnomAD compares: African/African-American, 0.0027%; no homozygotes.

Submission:

Labcorp Genetics (formerly Invitae), Labcorp
Classification: Uncertain significance for Charcot-Marie-Tooth disease type 2. Last evaluated: 2024-04-10. Review status: criteria provided, single submitter. Criteria: Invitae Variant Classification Sherloc (09022015). Collection method: clinical testing. Allele origin: germline.
Comment: This sequence change replaces alanine, which is neutral and non-polar, with valine, which is neutral and non-polar, at codon 612 of the GARS protein (p.Ala612Val). This variant is present in population databases (no rsID available, gnomAD 0.01%). This variant has not been reported in the literature in individuals affected with GARS-related conditions. Advanced modeling of protein sequence and biophysical properties (such as structural, functional, and spatial information, amino acid conservation, physicochemical variation, residue mobility, and thermodynamic stability) performed at Invitae indicates that this missense variant is not expected to disrupt GARS protein function with a negative predictive value of 80%. In summary, the available evidence is currently insufficient to determine the role of this variant in disease. Therefore, it has been classified as a Variant of Uncertain Significance.